The following is an entry in ClinVar:

ClinVar aggregate classification (germline): Uncertain significance (1 of 4 stars; one submission).

gnomAD v4.1: 1 of 1,614,142 alleles (0.000062%); highest among the groups gnomAD compares: Non-Finnish European, 0.000085%; no homozygotes.

Submission:

Labcorp Genetics (formerly Invitae), Labcorp
Classification: Uncertain significance. Last evaluated: 2022-07-12. Review status: criteria provided, single submitter. Criteria: Invitae Variant Classification Sherloc (09022015). Collection method: clinical testing. Allele origin: germline.
Comment: In summary, the available evidence is currently insufficient to determine the role of this variant in disease. Therefore, it has been classified as a Variant of Uncertain Significance. Algorithms developed to predict the effect of missense changes on protein structure and function (SIFT, PolyPhen-2, Align-GVGD) all suggest that this variant is likely to be disruptive. ClinVar contains an entry for this variant (Variation ID: 1436900). This variant has not been reported in the literature in individuals affected with RP1-related conditions. This variant is not present in population databases (gnomAD no frequency). This sequence change replaces lysine, which is basic and polar, with glutamine, which is neutral and polar, at codon 42 of the RP1 protein (p.Lys42Gln).

NM_006269.2(RP1):c.124A>C (p.Lys42Gln)

Gene: RP1 (RP1 axonemal microtubule associated; plus strand). Cytogenetic location: 8q12.1.
Variant type: single nucleotide variant.
Coding change: c.124A>C on transcript NM_006269.2 (MANE Select); coding-DNA position 124, A replaced by C.
Protein change: p.Lys42Gln; replaces lysine 42 with glutamine.
Molecular consequence: missense variant.
Genome position (GRCh38, 1-based): chr8:54,621,090, A>C. VCF-style: chr8-54621090-A-C. GRCh37 (hg19) VCF-style: chr8-55533650-A-C.
Other names: c.124A>C, p.Lys42Gln (NM_001375654.1); short protein forms K42Q.
Identifiers: ClinVar variation 1436900 (VCV001436900.8), dbSNP rs1482202931, ClinGen allele CA370985580.